The following is an entry in ClinVar:

NM_000153.4(GALC):c.1127_1131delinsACTGAT (p.Gly376_Leu377delinsAspTer)

Gene: GALC (galactosylceramidase; minus strand). Cytogenetic location: 14q31.3.
Variant type: Indel.
Coding change: c.1127_1131delinsACTGAT on transcript NM_000153.4 (MANE Select); coding-DNA positions 1127 to 1131, GCTTA replaced by ACTGAT.
Protein change: p.Gly376_Leu377delinsAspTer.
Molecular consequence: nonsense. On other transcripts: non-coding transcript variant (1).
Genome position (GRCh38, 1-based): chr14:87,963,414-87,963,418, TAAGC replaced by ATCAGT on the plus strand (GCTTA replaced by ACTGAT on the coding strand, the reverse complement: GALC is on the minus strand). VCF-style: chr14-87963414-TAAGC-ATCAGT. GRCh37 (hg19) VCF-style: chr14-88429758-TAAGC-ATCAGT.
Other names: c.1058_1062delinsACTGAT, p.Gly353_Leu354delinsAspTer (NM_001201401.2); c.1049_1053delinsACTGAT, p.Gly350_Leu351delinsAspTer (NM_001201402.2); c.959_963delinsACTGAT, p.Gly320_Leu321delinsAspTer (NM_001424071.1, NM_001424072.1, NM_001424073.1); c.779_783delinsACTGAT, p.Gly260_Leu261delinsAspTer (NM_001424074.1, NM_001424075.1); c.494_498delinsACTGAT, p.Gly165_Leu166delinsAspTer (NM_001424076.1, NM_001424077.1).
Identifiers: ClinVar variation 3576845 (VCV003576845.3).
Genomic context (GRCh38, chr14:87,963,414, plus strand): 5'-GTTAATCCAATAGCAACAACAAAAGTTTACCATGGTTTCAATGATGATGGTGAGGTTCCC[TAAGC>ATCAGT]CATCAGTCAGAGCTACGTAGCTTCCTCCTTTCTCTAAATGGCCAACTGTCTTCAGGTAAT-3'

ClinVar aggregate classification (germline): Pathogenic/Likely pathogenic. Review status: criteria provided, multiple submitters, no conflicts (2 of 4 stars). 2 submissions from 2 submitters: Pathogenic (1); Likely pathogenic (1). Last evaluated 2024-04-04.

Conditions:
Galactosylceramide beta-galactosidase deficiency. Also called: GALACTOCEREBROSIDASE DEFICIENCY; GALC DEFICIENCY; GLOBOID CELL LEUKOENCEPHALOPATHY; Leukodystrophy, Globoid Cell; Krabbe Disease. Identifiers: Orphanet 487, MedGen C0023521, MONDO:0009499, OMIM 245200.

Submissions (2):

Fulgent Genetics
Classification: Likely pathogenic for Galactosylceramide beta-galactosidase deficiency. Last evaluated: 2024-04-04. Review status: criteria provided, single submitter. Criteria: ACMG Guidelines, 2015. Collection method: clinical testing. Allele origin: germline.

Labcorp Genetics (formerly Invitae), Labcorp
Classification: Pathogenic for Galactosylceramide beta-galactosidase deficiency. Last evaluated: 2024-01-25. Review status: criteria provided, single submitter. Criteria: Invitae Variant Classification Sherloc (09022015). Collection method: clinical testing. Allele origin: germline.
Comment: This sequence change creates a premature translational stop signal (p.Gly376Aspfs*2) in the GALC gene. It is expected to result in an absent or disrupted protein product. Loss-of-function variants in GALC are known to be pathogenic (PMID: 7437911, 9272171, 16607461). Information on the frequency of this variant in the gnomAD database is not available, as this variant may be reported differently in the database. This premature translational stop signal has been observed in individual(s) with clinical features of Krabbe disease (PMID: 26795590). This variant is also known as p.G360Dfs*2. For these reasons, this variant has been classified as Pathogenic.

Literature cited by the submitters: PubMed 7437911 (cited by Labcorp Genetics (formerly Invitae), Labcorp); PubMed 9272171 (cited by Labcorp Genetics (formerly Invitae), Labcorp); PubMed 16607461 (cited by Labcorp Genetics (formerly Invitae), Labcorp); PubMed 26795590 (cited by Labcorp Genetics (formerly Invitae), Labcorp).